The following continues an entry in ClinVar:

NM_000110.4(DPYD):c.1905+1G>A

Gene: DPYD. ClinVar aggregate classification (germline): drug response. drug response (4).

Submissions 16 to 30 of 70:

GeneDx
Classification: Pathogenic. Last evaluated: 2022-07-31. Review status: criteria provided, single submitter. Criteria: GeneDx Variant Classification Process June 2021. Collection method: clinical testing. Allele origin: germline. Affected: yes. Not counted in ClinVar's aggregate classification.
Comment: Individuals who carry at least one DPYD c.1905+1G>A allele are at risk to experience drug toxicity when treated with fluoropyrimidine drugs. Dosing guidelines based on DPYD genotype are available (Amstutz et al., 2018); Published functional studies demonstrate variant results in a nonfunctional DPYD protein (Offer et al., 2013); This variant is associated with the following publications: (PMID: 24700034, 19178088, 25525159, 11895907, 8892022, 12668826, 22975760, 25906475, 25087612, 22339448, 21114665, 15093568, 19473056, 26804652, 25590979, 26559152, 26603945, 30609409, 31124962, 30775324, 31980526, 33326653, 30755392, 32595208, 33877893, 23328581, 34426522, 34026625, 29152729, 34697415)

3billion
Classification: Pathogenic for Dihydropyrimidine dehydrogenase deficiency. Last evaluated: 2022-01-03. Review status: criteria provided, single submitter. Criteria: ACMG Guidelines, 2015. Collection method: clinical testing. Allele origin: germline. Affected: yes. Observed: 1 homozygote. Not counted in ClinVar's aggregate classification.
Comment: Canonical splice site: predicted to alter splicing and result in a loss or disruption of normal protein function through protein truncation. Multiple pathogenic variants are reported in the predicted truncated region (PVS1_VS). The variant has been reported at least twice as pathogenic/likely pathogenic with clinical assertions and evidence for the classification (ClinVar ID: VCV000000432, 3billion dataset).Therefore, this variant is classified as pathogenic according to the recommendation of ACMG/AMP guideline.

CENTOGENE GmbH and LLC - Guiding Precision Medicine
Classification: Pathogenic for Dihydropyrimidine dehydrogenase deficiency. Last evaluated: 2021-11-01. Review status: criteria provided, single submitter. Criteria: ACMG Guidelines, 2015. Collection method: clinical testing. Allele origin: germline. Affected: yes. Not counted in ClinVar's aggregate classification.

Victorian Clinical Genetics Services, Murdoch Childrens Research Institute
Classification: Pathogenic for Dihydropyrimidine dehydrogenase deficiency. Last evaluated: 2021-05-06. Review status: criteria provided, single submitter. Criteria: ACMG Guidelines, 2015. Collection method: clinical testing. Allele origin: germline. Inheritance: Autosomal recessive inheritance. Affected: yes. Not counted in ClinVar's aggregate classification.
Comment: Based on the classification scheme VCGS_Germline_v1.3.4, this variant is classified as Pathogenic. Following criteria are met: 0102 - Loss of function is a known mechanism of disease in this gene and is associated with dihydropyrimidine dehydrogenase deficiency (MIM#274270). (I) 0106 - This gene is associated with autosomal recessive disease. (I) 0112 - The condition associated with this gene has incomplete penetrance. Asymptomatic individuals with biallelic variants are well reported (OMIM). (I) 0210 - Splice site variant proven to affect splicing of the transcript with a known effect on protein sequence. RT-PCR on patient cell-derived RNA demonstrates that this variant results in exon 14 skipping. This results in an inframe deletion, and the protein product p.(Asp581_Asn635del) (PMID: 8892022). (SP) 0251 - This variant is heterozygous. (I) 0305 - Variant is present in gnomAD (v2) >=0.01 and <0.03 for a recessive condition (1590 heterozygotes, 9 homozygotes). (I) 0311 - An alternative nucleotide change at the same canonical splice site is present in gnomAD (v2) (2 heterozygotes, 0 homozygotes). (I) 0801 - This variant has strong previous evidence of pathogenicity in unrelated individuals. This variant has been reported many times as pathogenic, and has been observed in homozygous and compound heterozygous patients with dihydropyrimidine dehydrogenase deficiency (ClinVar, PMID: 8892022, PMID: 28929491). (SP) 1001 - This variant has strong functional evidence supporting abnormal protein function. Patient fibroblasts homozygous for this variant have been shown with no detectable enzyme activity (PMID: 8892022). (I) Legend: (SP) - Supporting pathogenic, (I) - Information, (SB) - Supporting benign

Ambry Genetics
Classification: Pathogenic for Inborn genetic diseases. Last evaluated: 2021-03-09. Review status: criteria provided, single submitter. Criteria: Ambry Variant Classification Scheme 2023. Collection method: clinical testing. Allele origin: germline. Not counted in ClinVar's aggregate classification.
Comment: The c.1905+1G>A intronic variant results from a G to A substitution one nucleotide after coding exon 14 of the DPYD gene. Alterations that disrupt the canonical splice site are expected to cause aberrant splicing, resulting in an abnormal protein or a transcript that is subject to nonsense-mediated mRNA decay. Based on data from the Genome Aggregation Database (gnomAD) database, the DPYD c.1905+1G>A alteration was observed in 0.57% (1608/282660) of total alleles studied including 9 homozygotes, with a frequency of 2.38% (599/25120) in the European (Finnish) subpopulation. This alteration (also referred to as DYPD*2A) has been reported in the homozygous and compound heterozygous states in patients with DPD deficiency and variable phenotypes including neurological disorders and 5-fluorouracil toxicity (Vreken, 1996; Johnson, 2002; Zhu, 2015). This nucleotide position is highly conserved in available vertebrate species. Functional studies demonstrate that this alteration results in exon 14 skipping, undetectable enzyme activity and inability to convert 5-FU to DHFU leading to 5-florouracil toxicity (Vreken, 1996; Johnson, 2002; Offer, 2013). In silico splice site analysis predicts that this alteration will weaken the native splice donor site. Based on the available evidence, this alteration is classified as pathogenic.

Athena Diagnostics
Classification: Pathogenic. Last evaluated: 2019-07-09. Review status: criteria provided, single submitter. Criteria: Athena Diagnostics Criteria. Collection method: clinical testing. Allele origin: germline. Not counted in ClinVar's aggregate classification.
Comment: The variant disrupts a canonical splice site, and is therefore predicted to result in the loss of a functional protein. The best available variant frequency is more than 10 times the disease allele frequency. Damaging to protein function(s) relevant to disease mechanism. Strong co-segregation with disease, and data include affected and unaffected individuals from multiple families

Center for Personalized Medicine, Children's Hospital Los Angeles
Classification: Pathogenic. Last evaluated: 2018-11-19. Review status: criteria provided, single submitter. Criteria: ACMG Guidelines, 2015. Collection method: clinical testing. Allele origin: germline. Affected: yes. Not counted in ClinVar's aggregate classification.

Center for Pediatric Genomic Medicine, Children's Mercy Hospital and Clinics
Classification: Pathogenic. Last evaluated: 2017-05-11. Review status: criteria provided, single submitter. Criteria: ACMG Guidelines, 2015. Collection method: clinical testing. Allele origin: germline. Not counted in ClinVar's aggregate classification.

Illumina Laboratory Services, Illumina
Classification: Pathogenic for Dihydropyrimidine Dehydrogenase Deficiency. Last evaluated: 2016-06-14. Review status: criteria provided, single submitter. Criteria: ICSL Variant Classification 20161018. Collection method: clinical testing. Allele origin: germline. Not counted in ClinVar's aggregate classification.
Comment: Across a selection of available literature, the c.1905+1G>A variant has been reported in at least 30 patients with dihydropyrimidine dehydrogenase deficiency, including in at least four patients in a homozygous state and in 26 patients in a heterozygous state, all of whom had 5-fluorouracil (5-FU) toxicity (Vreken et al. 1996; Van Kuilenburg et al. 1999; Van Kuilenburg et al. 2002; Morel et al. 2006; Magne et al. 2007). The c.1905+1G>A variant was found in one of 74 controls and is reported at a frequency of 0.02209 in the European (Finnish) population of the Exome Aggregation Consortium. The DPYD c.1905+1G>A variant occurs in a canonical splice site (donor) and results in skipping of exon 14 leading to an inactive DPYD allele (Wei et al. 1996). In patients with the c.1905+1G>A variant in a heterozygous state, conversion of 5-FU was shown to be 40% lower compared to controls (Van Kuilenburg et al. 2012). Based on the collective evidence, the c.1905+1G>A variant is classified as pathogenic for dihydropyrimidine dehydrogenase deficiency.

Genetic Services Laboratory, University of Chicago
Classification: Pathogenic for 5-fluorouracil toxicity. Last evaluated: 2016-05-04. Review status: criteria provided, single submitter. Criteria: ACMG Guidelines, 2015. Collection method: clinical testing. Allele origin: germline. Affected: yes. Not counted in ClinVar's aggregate classification.

Women's Health and Genetics/Laboratory Corporation of America, LabCorp
Classification: Pathogenic for Dihydropyrimidine dehydrogenase deficiency. Last evaluated: 2016-01-18. Review status: criteria provided, single submitter. Criteria: LabCorp Variant Classification Summary - May 2015. Collection method: clinical testing. Allele origin: germline. Not counted in ClinVar's aggregate classification.

Eurofins Ntd Llc (ga)
Classification: Pathogenic. Last evaluated: 2015-06-01. Review status: criteria provided, single submitter. Criteria: EGL Classification Definitions 2015. Collection method: clinical testing. Allele origin: germline. Observed: 14 variant alleles, 14 heterozygotes. Not counted in ClinVar's aggregate classification.

Kariminejad - Najmabadi Pathology & Genetics Center
Classification: Pathogenic for Dihydropyrimidine dehydrogenase deficiency. Review status: criteria provided, single submitter. Criteria: ACMG Guidelines, 2015. Collection method: clinical testing. Allele origin: germline. Affected: no. Not counted in ClinVar's aggregate classification.

Counsyl
Classification: Pathogenic for Dihydropyrimidine dehydrogenase deficiency. Last evaluated: 2016-03-24. Review status: no assertion criteria provided. Collection method: clinical testing. Allele origin: unknown. Not counted in ClinVar's aggregate classification.

OMIM
Classification: Pathogenic for DIHYDROPYRIMIDINE DEHYDROGENASE DEFICIENCY. Last evaluated: 1999-01-01. Review status: no assertion criteria provided. Collection method: literature only. Allele origin: germline. Not counted in ClinVar's aggregate classification.